The following is an entry in ClinVar:

ClinVar aggregate classification (germline): Benign/Likely benign. Review status: criteria provided, multiple submitters, no conflicts (2 of 4 stars). 4 submissions from 4 submitters: Benign (1); Likely benign (2). 1 of the submissions does not count toward it. Last evaluated 2026-01-27.

Conditions:
KCNQ5-related disorder. Also called: KCNQ5-related condition.

Allele frequency attached by ClinVar (database versions not stated): gnomAD 0.00023 and 0.00025; TOPMed 0.00024; gnomAD exomes 0.00029 and 0.00032; ExAC 0.00030; ESP Exome Variant Server 0.00054.
gnomAD v4.1: 458 of 1,614,126 alleles (0.028%); highest among the groups gnomAD compares: Non-Finnish European, 0.03%; 2 homozygotes.

Submissions (4):

Labcorp Genetics (formerly Invitae), Labcorp
Classification: Benign. Last evaluated: 2026-01-27. Review status: criteria provided, single submitter. Criteria: Invitae Variant Classification Sherloc (09022015). Collection method: clinical testing. Allele origin: germline.

Blueprint Genetics
Classification: Likely benign. Last evaluated: 2024-11-13. Review status: criteria provided, single submitter. Criteria: ACMG Guidelines, 2015. Collection method: clinical testing. Allele origin: germline.

CeGaT Center for Human Genetics Tuebingen
Classification: Likely benign. Last evaluated: 2022-11-01. Review status: criteria provided, single submitter. Criteria: CeGaT Center For Human Genetics Tuebingen Variant Classification Criteria Version 2. Collection method: clinical testing. Allele origin: germline. Affected: yes. Observed: 3 variant alleles.
Comment: KCNQ5: BP4

PreventionGenetics, part of Exact Sciences
Classification: Likely benign for KCNQ5-related condition. Last evaluated: 2021-05-13. Review status: no assertion criteria provided. Collection method: clinical testing. Allele origin: germline. Not counted in ClinVar's aggregate classification.
Comment: This variant is classified as likely benign based on ACMG/AMP sequence variant interpretation guidelines (Richards et al. 2015 PMID: 25741868, with internal and published modifications).

NM_019842.4(KCNQ5):c.2067G>A (p.Gln689=)

Gene: KCNQ5 (potassium voltage-gated channel subfamily Q member 5; plus strand). Cytogenetic location: 6q13.
Variant type: single nucleotide variant.
Coding change: c.2067G>A on transcript NM_019842.4 (MANE Select); coding-DNA position 2067, G replaced by A.
Protein change: p.Gln689=; no amino-acid change (glutamine 689 retained).
Molecular consequence: synonymous variant.
Genome position (GRCh38, 1-based): chr6:73,194,682, G>A. VCF-style: chr6-73194682-G-A. GRCh37 (hg19) VCF-style: chr6-73904405-G-A.
Other names: c.2040G>A, p.Gln680= (NM_001160130.2); c.2097G>A, p.Gln699= (NM_001160132.2); c.2124G>A, p.Gln708= (NM_001160133.2); c.1737G>A, p.Gln579= (NM_001160134.2); c.2124G>A (NM_001160133.1).
Identifiers: ClinVar variation 1640884 (VCV001640884.41), dbSNP rs141761357, ClinGen allele CA3887200.